The following is an entry in ClinVar:

ClinVar aggregate classification (germline): Uncertain significance (1 of 4 stars; one submission).

Conditions:
Multiple sulfatase deficiency (MSD). Also called: Multiple Sulfatase Deficiency Disease; Sulfatidosis, Juvenile, Austin Type; Mucosulfatidosis. Identifiers: Orphanet 585, MedGen C0268263, MONDO:0010088, OMIM 272200.

Allele frequency attached by ClinVar (database versions not stated): TOPMed below 0.00001; gnomAD 0.00001; gnomAD exomes 0.00002; ExAC 0.00006; 1000 Genomes Project 30x 0.00016; 1000 Genomes Project 0.00020.
gnomAD v4.1: 31 of 1,613,436 alleles (0.0019%); highest among the groups gnomAD compares: South Asian, 0.033%; no homozygotes.

Submission:

Labcorp Genetics (formerly Invitae), Labcorp
Classification: Uncertain significance for Multiple sulfatase deficiency. Last evaluated: 2022-07-01. Review status: criteria provided, single submitter. Criteria: Invitae Variant Classification Sherloc (09022015). Collection method: clinical testing. Allele origin: germline.
Comment: This sequence change replaces alanine, which is neutral and non-polar, with valine, which is neutral and non-polar, at codon 96 of the SUMF1 protein (p.Ala96Val). This variant is present in population databases (rs557961594, gnomAD 0.04%). This variant has not been reported in the literature in individuals affected with SUMF1-related conditions. Algorithms developed to predict the effect of missense changes on protein structure and function are either unavailable or do not agree on the potential impact of this missense change (SIFT: "Deleterious"; PolyPhen-2: "Benign"; Align-GVGD: "Class C0"). In summary, the available evidence is currently insufficient to determine the role of this variant in disease. Therefore, it has been classified as a Variant of Uncertain Significance.

NM_182760.4(SUMF1):c.287C>T (p.Ala96Val)

Gene: SUMF1 (sulfatase modifying factor 1; minus strand). Cytogenetic location: 3p26.1.
Variant type: single nucleotide variant.
Coding change: c.287C>T on transcript NM_182760.4 (MANE Select); coding-DNA position 287, C replaced by T.
Protein change: p.Ala96Val; replaces alanine 96 with valine.
Molecular consequence: missense variant.
Genome position (GRCh38, 1-based): chr3:4,453,033, G>A on the plus strand (C>T on the coding strand, the complement: SUMF1 is on the minus strand). VCF-style: chr3-4453033-G-A. GRCh37 (hg19) VCF-style: chr3-4494717-G-A.
Other names: c.287C>T, p.Ala96Val (NM_001164674.2, NM_001164675.2); short protein forms A96V.
Identifiers: ClinVar variation 2160222 (VCV002160222.1), dbSNP rs557961594, ClinGen allele CA2230643.
Genomic context (GRCh38, chr3:4,453,033, plus strand): 5'-GCAGGTGCTTCCCCATCCTGCTTTATCTGAGGATCATCTGTGCCCATTGTAAATACTCCA[G>A]CAGGGATGGGGACCATCTACAATGAAAGGTGAAACACAGGAAGTCATGCATCACAGCCAA-3'
Protein context (NP_877437.2, residues 86-106): LAHSKMVPIP[Ala96Val]GVFTMGTDDP